The following is an entry in ClinVar:

ClinVar aggregate classification (germline): Uncertain significance (1 of 4 stars; one submission).

Submission:

Labcorp Genetics (formerly Invitae), Labcorp
Classification: Uncertain significance. Last evaluated: 2022-09-13. Review status: criteria provided, single submitter. Criteria: Invitae Variant Classification Sherloc (09022015). Collection method: clinical testing. Allele origin: germline.
Comment: In summary, the available evidence is currently insufficient to determine the role of this variant in disease. Therefore, it has been classified as a Variant of Uncertain Significance. Advanced modeling of protein sequence and biophysical properties (such as structural, functional, and spatial information, amino acid conservation, physicochemical variation, residue mobility, and thermodynamic stability) performed at Invitae indicates that this missense variant is not expected to disrupt WFS1 protein function. ClinVar contains an entry for this variant (Variation ID: 1352912). This variant has not been reported in the literature in individuals affected with WFS1-related conditions. This variant is not present in population databases (gnomAD no frequency). This sequence change replaces lysine, which is basic and polar, with glutamic acid, which is acidic and polar, at codon 225 of the WFS1 protein (p.Lys225Glu).

NM_006005.3(WFS1):c.673A>G (p.Lys225Glu)

Gene: WFS1 (wolframin ER transmembrane glycoprotein; plus strand). Cytogenetic location: 4p16.1.
Variant type: single nucleotide variant.
Coding change: c.673A>G on transcript NM_006005.3 (MANE Select); coding-DNA position 673, A replaced by G.
Protein change: p.Lys225Glu; replaces lysine 225 with glutamic acid.
Molecular consequence: missense variant.
Genome position (GRCh38, 1-based): chr4:6,291,958, A>G. VCF-style: chr4-6291958-A-G. GRCh37 (hg19) VCF-style: chr4-6293685-A-G.
Other names: c.673A>G, p.Lys225Glu (NM_001145853.1); short protein forms K225E.
Identifiers: ClinVar variation 1352912 (VCV001352912.8), dbSNP rs1730476996, ClinGen allele CA356172279.